The following is an entry in ClinVar:

NM_001375524.1(TRRAP):c.4141C>T (p.Gln1381Ter)

Gene: TRRAP (transformation/transcription domain associated protein; plus strand). Cytogenetic location: 7q22.1.
Variant type: single nucleotide variant.
Coding change: c.4141C>T on transcript NM_001375524.1 (MANE Select); coding-DNA position 4141, C replaced by T.
Protein change: p.Gln1381Ter; replaces glutamine 1381 with a stop codon.
Molecular consequence: nonsense.
Genome position (GRCh38, 1-based): chr7:98,937,185, C>T. VCF-style: chr7-98937185-C-T. GRCh37 (hg19) VCF-style: chr7-98534808-C-T.
Other names: c.4141C>T, p.Gln1381Ter (NM_001244580.2, NM_003496.4); short protein forms Q1381*.
Identifiers: ClinVar variation 2827712 (VCV002827712.3), dbSNP rs2484802490, ClinGen allele CA368305764.

ClinVar aggregate classification (germline): Uncertain significance (1 of 4 stars; one submission).

Submission:

Labcorp Genetics (formerly Invitae), Labcorp
Classification: Uncertain significance. Last evaluated: 2023-01-11. Review status: criteria provided, single submitter. Criteria: Invitae Variant Classification Sherloc (09022015). Collection method: clinical testing. Allele origin: germline.
Comment: This sequence change creates a premature translational stop signal (p.Gln1381*) in the TRRAP gene. It is expected to result in an absent or disrupted protein product. However, the current clinical and genetic evidence is not sufficient to establish whether loss-of-function variants in TRRAP cause disease. This variant is not present in population databases (gnomAD no frequency). This variant has not been reported in the literature in individuals affected with TRRAP-related conditions. In summary, the available evidence is currently insufficient to determine the role of this variant in disease. Therefore, it has been classified as a Variant of Uncertain Significance.